The following is an entry in ClinVar:

NM_000548.5(TSC2):c.3883+4T>G

Gene: TSC2 (TSC complex subunit 2; plus strand). Cytogenetic location: 16p13.3.
Variant type: single nucleotide variant.
Coding change: c.3883+4T>G on transcript NM_000548.5 (MANE Select); 4 bases into the intron after coding-DNA position 3883, T replaced by G.
Molecular consequence: intron variant. On other transcripts: missense variant (1).
Genome position (GRCh38, 1-based): chr16:2,082,508, T>G. VCF-style: chr16-2082508-T-G. GRCh37 (hg19) VCF-style: chr16-2132509-T-G.
Other names: c.3682+710T>G (NM_001077183.3); c.2341+710T>G (NM_001406694.1, NM_001406693.1, NM_001406692.1); c.2338+710T>G (NM_001406695.1, NM_001406696.1, NM_001406697.1); c.3673+710T>G (NM_001406671.1); c.3670+710T>G (NM_001406673.1); c.3223+710T>G (NM_001406681.1); c.3703+710T>G (NM_001406670.1); c.3574+710T>G (NM_001318827.2); and 26 more; short protein forms I1252S.
Identifiers: ClinVar variation 3611381 (VCV003611381.2).

ClinVar aggregate classification (germline): Uncertain significance (1 of 4 stars; one submission).

Conditions:
Tuberous sclerosis 2 (TSC2). Identifiers: Orphanet 805, MedGen C1860707, MONDO:0013199, OMIM 613254.

Submission:

Labcorp Genetics (formerly Invitae), Labcorp
Classification: Uncertain significance for Tuberous sclerosis 2. Last evaluated: 2024-08-21. Review status: criteria provided, single submitter. Criteria: Invitae Variant Classification Sherloc (09022015). Collection method: clinical testing. Allele origin: germline.
Comment: This sequence change falls in intron 32 of the TSC2 gene. It does not directly change the encoded amino acid sequence of the TSC2 protein. It affects a nucleotide within the consensus splice site. This variant is not present in population databases (gnomAD no frequency). This variant has not been reported in the literature in individuals affected with TSC2-related conditions. Variants that disrupt the consensus splice site are a relatively common cause of aberrant splicing (PMID: 17576681, 9536098). Algorithms developed to predict the effect of sequence changes on RNA splicing suggest that this variant is not likely to affect RNA splicing. In summary, the available evidence is currently insufficient to determine the role of this variant in disease. Therefore, it has been classified as a Variant of Uncertain Significance.

Literature cited by the submitters: PubMed 17576681; PubMed 9536098.